The following is an entry in ClinVar:

NM_001365999.1(SZT2):c.3238G>T (p.Val1080Phe)

Gene: SZT2 (SZT2 subunit of KICSTOR complex; plus strand). Cytogenetic location: 1p34.2.
Variant type: single nucleotide variant.
Coding change: c.3238G>T on transcript NM_001365999.1 (MANE Select); coding-DNA position 3238, G replaced by T.
Protein change: p.Val1080Phe; replaces valine 1080 with phenylalanine.
Molecular consequence: missense variant.
Genome position (GRCh38, 1-based): chr1:43,426,738, G>T. VCF-style: chr1-43426738-G-T. GRCh37 (hg19) VCF-style: chr1-43892409-G-T.
Other names: c.3067G>T, p.Val1023Phe (NM_015284.4); short protein forms V1023F, V1080F.
Identifiers: ClinVar variation 964830 (VCV000964830.7), dbSNP rs1325841179, ClinGen allele CA340016550.

ClinVar aggregate classification (germline): Uncertain significance (1 of 4 stars; one submission).

Allele frequency attached by ClinVar (database versions not stated): TOPMed 0.00001; gnomAD exomes 0.00002.
gnomAD v4.1: 7 of 1,613,104 alleles (0.00043%); highest among the groups gnomAD compares: Admixed American, 0.0083%; no homozygotes.

Submission:

Labcorp Genetics (formerly Invitae), Labcorp
Classification: Uncertain significance. Last evaluated: 2021-07-16. Review status: criteria provided, single submitter. Criteria: Invitae Variant Classification Sherloc (09022015). Collection method: clinical testing. Allele origin: germline.
Comment: In summary, the available evidence is currently insufficient to determine the role of this variant in disease. Therefore, it has been classified as a Variant of Uncertain Significance. Algorithms developed to predict the effect of missense changes on protein structure and function (SIFT, PolyPhen-2, Align-GVGD) all suggest that this variant is likely to be tolerated, but these predictions have not been confirmed by published functional studies and their clinical significance is uncertain. This variant has not been reported in the literature in individuals with SZT2-related conditions. This variant is not present in population databases (ExAC no frequency). This sequence change replaces valine with phenylalanine at codon 1023 of the SZT2 protein (p.Val1023Phe). The valine residue is weakly conserved and there is a small physicochemical difference between valine and phenylalanine.